The following is an entry in ClinVar:

NM_001046.3(SLC12A2):c.299C>A (p.Ala100Glu)

Genes: SLC12A2 (solute carrier family 12 member 2; plus strand), LOC129994526 (ATAC-STARR-seq lymphoblastoid silent region 16295; plus strand). Cytogenetic location: 5q23.3.
Variant type: single nucleotide variant.
Coding change: c.299C>A on transcript NM_001046.3 (MANE Select); coding-DNA position 299, C replaced by A.
Protein change: p.Ala100Glu; replaces alanine 100 with glutamic acid.
Molecular consequence: missense variant. On other transcripts: non-coding transcript variant (1).
Genome position (GRCh38, 1-based): chr5:128,084,253, C>A. VCF-style: chr5-128084253-C-A. GRCh37 (hg19) VCF-style: chr5-127419945-C-A.
Other names: c.299C>A, p.Ala100Glu (NM_001256461.2); short protein forms A100E.
Identifiers: ClinVar variation 4801538 (VCV004801538.1).

ClinVar aggregate classification (germline): Uncertain significance (1 of 4 stars; one submission).

Submission:

Labcorp Genetics (formerly Invitae), Labcorp
Classification: Uncertain significance. Last evaluated: 2025-07-30. Review status: criteria provided, single submitter. Criteria: Invitae Variant Classification Sherloc (09022015). Collection method: clinical testing. Allele origin: germline.
Comment: This sequence change replaces alanine, which is neutral and non-polar, with glutamic acid, which is acidic and polar, at codon 100 of the SLC12A2 protein (p.Ala100Glu). This variant is not present in population databases (gnomAD no frequency). This variant has not been reported in the literature in individuals affected with SLC12A2-related conditions. Invitae Evidence Modeling of protein sequence and biophysical properties (such as structural, functional, and spatial information, amino acid conservation, physicochemical variation, residue mobility, and thermodynamic stability) indicates that this missense variant is not expected to disrupt SLC12A2 protein function with a negative predictive value of 95%. In summary, the available evidence is currently insufficient to determine the role of this variant in disease. Therefore, it has been classified as a Variant of Uncertain Significance.